The following is an entry in ClinVar:

NM_004667.6(HERC2):c.2700C>T (p.Thr900=)

Gene: HERC2 (HECT and RLD domain containing E3 ubiquitin protein ligase 2; minus strand). Cytogenetic location: 15q13.1.
Variant type: single nucleotide variant.
Coding change: c.2700C>T on transcript NM_004667.6 (MANE Select); coding-DNA position 2700, C replaced by T.
Protein change: p.Thr900=; no amino-acid change (threonine 900 retained).
Molecular consequence: synonymous variant.
Genome position (GRCh38, 1-based): chr15:28,256,135, G>A on the plus strand (C>T on the coding strand, the complement: HERC2 is on the minus strand). VCF-style: chr15-28256135-G-A. GRCh37 (hg19) VCF-style: chr15-28501281-G-A.
Identifiers: ClinVar variation 4084562 (VCV004084562.8).
Genomic context (GRCh38, chr15:28,256,135, plus strand): 5'-TTCCCCAGGCCCACCTGCGCAGGGCAGGAGAGCAGAGAGTGCCCGGGCCCGCTCCTCCGC[G>A]GTGGGCAGCAGCACGGACCAGCCACTCTGCAGCACGGCCTGGGCGGCCGACTGCACGGTG-3'
Protein context (NP_004658.3, residues 890-910): LQSGWSVLLP[Thr900=]AEERARALSA

ClinVar aggregate classification (germline): Likely benign (1 of 4 stars; one submission).

gnomAD v4.1: 30 of 1,601,930 alleles (0.0019%); highest among the groups gnomAD compares: African/African-American, 0.004%; no homozygotes.

Submission:

CeGaT Center for Human Genetics Tuebingen
Classification: Likely benign. Last evaluated: 2025-06-01. Review status: criteria provided, single submitter. Criteria: CeGaT Center For Human Genetics Tuebingen Variant Classification Criteria Version 2. Collection method: clinical testing. Allele origin: germline. Affected: yes. Observed: 1 variant allele.
Comment: HERC2: BP4, BP7